The following is an entry in ClinVar:

ClinVar aggregate classification (germline): Uncertain significance. Review status: criteria provided, multiple submitters, no conflicts (2 of 4 stars). 2 submissions from 2 submitters: Uncertain significance (2). Last evaluated 2021-09-14.

Conditions:
Mitochondrial complex II deficiency, nuclear type 1. Also called: SUCCINATE CoQ REDUCTASE DEFICIENCY. Identifiers: Orphanet 3208, MedGen C5700310, MONDO:0100294, OMIM 252011.
Pheochromocytoma/paraganglioma syndrome 5. Also called: Paragangliomas 5; SDHA-Related Hereditary Paraganglioma-Pheochromocytoma Syndrome. Identifiers: Orphanet 29072, MedGen C3279992, MONDO:0013602, OMIM 614165.
Hereditary cancer-predisposing syndrome. Also called: Hereditary Cancer Syndrome; Neoplastic Syndromes, Hereditary; Tumor predisposition; Hereditary neoplastic syndrome. Identifiers: Orphanet 140162, MedGen C0027672, MeSH D009386, MONDO:0015356.

Submissions (2):

Ambry Genetics
Classification: Uncertain significance for Hereditary cancer-predisposing syndrome. Last evaluated: 2021-09-14. Review status: criteria provided, single submitter. Criteria: Ambry Variant Classification Scheme 2023. Collection method: clinical testing. Allele origin: germline.
Comment: The p.F552V variant (also known as c.1654T>G), located in coding exon 12 of the SDHA gene, results from a T to G substitution at nucleotide position 1654. The phenylalanine at codon 552 is replaced by valine, an amino acid with highly similar properties. This amino acid position is highly conserved in available vertebrate species. In addition, the in silico prediction for this alteration is inconclusive. Since supporting evidence is limited at this time, the clinical significance of this alteration remains unclear.

Labcorp Genetics (formerly Invitae), Labcorp
Classification: Uncertain significance for Pheochromocytoma/paraganglioma syndrome 5; Mitochondrial complex II deficiency, nuclear type 1. Last evaluated: 2021-09-01. Review status: criteria provided, single submitter. Criteria: Invitae Variant Classification Sherloc (09022015). Collection method: clinical testing. Allele origin: germline.
Comment: This sequence change replaces phenylalanine with valine at codon 552 of the SDHA protein (p.Phe552Val). The phenylalanine residue is moderately conserved and there is a small physicochemical difference between phenylalanine and valine. This variant is not present in population databases (ExAC no frequency). This variant has not been reported in the literature in individuals affected with SDHA-related conditions. Algorithms developed to predict the effect of missense changes on protein structure and function (SIFT, PolyPhen-2, Align-GVGD) all suggest that this variant is likely to be tolerated. In summary, the available evidence is currently insufficient to determine the role of this variant in disease. Therefore, it has been classified as a Variant of Uncertain Significance.

NM_004168.4(SDHA):c.1654T>G (p.Phe552Val)

Gene: SDHA (succinate dehydrogenase complex flavoprotein subunit A; plus strand). Cytogenetic location: 5p15.33.
Variant type: single nucleotide variant.
Coding change: c.1654T>G on transcript NM_004168.4 (MANE Select); coding-DNA position 1654, T replaced by G.
Protein change: p.Phe552Val; replaces phenylalanine 552 with valine.
Molecular consequence: missense variant. On other transcripts: intron variant (1).
Genome position (GRCh38, 1-based): chr5:251,094, T>G. VCF-style: chr5-251094-T-G. GRCh37 (hg19) VCF-style: chr5-251209-T-G.
Other names: c.1510T>G, p.Phe504Val (NM_001294332.2); c.1552-3299T>G (NM_001330758.2); short protein forms F504V, F552V.
Identifiers: ClinVar variation 967665 (VCV000967665.8), dbSNP rs1736795269, ClinGen allele CA358998940.